The following is an entry in ClinVar:

ClinVar aggregate classification (germline): Uncertain significance (1 of 4 stars; one submission).

Allele frequency attached by ClinVar (database versions not stated): TOPMed 0.00001; ExAC 0.00002.
gnomAD v4.1: 12 of 1,613,932 alleles (0.00074%); highest among the groups gnomAD compares: South Asian, 0.0011%; no homozygotes.

Submission:

Labcorp Genetics (formerly Invitae), Labcorp
Classification: Uncertain significance. Last evaluated: 2022-04-20. Review status: criteria provided, single submitter. Criteria: Invitae Variant Classification Sherloc (09022015). Collection method: clinical testing. Allele origin: germline.
Comment: This sequence change replaces aspartic acid, which is acidic and polar, with asparagine, which is neutral and polar, at codon 1736 of the SORL1 protein (p.Asp1736Asn). In summary, the available evidence is currently insufficient to determine the role of this variant in disease. Therefore, it has been classified as a Variant of Uncertain Significance. Algorithms developed to predict the effect of missense changes on protein structure and function (SIFT, PolyPhen-2, Align-GVGD) all suggest that this variant is likely to be tolerated. This variant has not been reported in the literature in individuals affected with SORL1-related conditions. This variant is present in population databases (rs779195575, gnomAD 0.0009%).

NM_003105.6(SORL1):c.5206G>A (p.Asp1736Asn)

Gene: SORL1 (sortilin related receptor 1; plus strand). Cytogenetic location: 11q24.1.
Variant type: single nucleotide variant.
Coding change: c.5206G>A on transcript NM_003105.6 (MANE Select); coding-DNA position 5206, G replaced by A.
Protein change: p.Asp1736Asn; replaces aspartic acid 1736 with asparagine.
Molecular consequence: missense variant.
Genome position (GRCh38, 1-based): chr11:121,608,143, G>A. VCF-style: chr11-121608143-G-A. GRCh37 (hg19) VCF-style: chr11-121478852-G-A.
Other names: short protein forms D1736N.
Identifiers: ClinVar variation 1902869 (VCV001902869.5), dbSNP rs779195575, ClinGen allele CA6329873.